The following is an entry in ClinVar:

ClinVar aggregate classification (germline): Uncertain significance (1 of 4 stars; one submission).

Conditions:
Multiple congenital exostosis (EXT). Also called: Multiple exostoses; MULTIPLE CARTILAGINOUS EXOSTOSES; Multiple osteochondromas; Hereditary multiple osteochondromas; Hereditary multiple exostoses; Hereditary multiple exostosis. Identifiers: Orphanet 321, MedGen C0015306, MONDO:0005508, HP:0002762.

Submission:

Labcorp Genetics (formerly Invitae), Labcorp
Classification: Uncertain significance for Multiple congenital exostosis. Last evaluated: 2022-04-24. Review status: criteria provided, single submitter. Criteria: Invitae Variant Classification Sherloc (09022015). Collection method: clinical testing. Allele origin: unknown.
Comment: This variant results in a copy number gain of the genomic region encompassing exon(s) 1 of the EXT1 gene. This region includes the initiator codon of the gene. This copy number gain extends beyond the assayed region for this gene and therefore may encompass additional genes. As the precise location of this event is unknown, it may be in tandem or it may be located elsewhere in the genome. This variant has not been reported in the literature in individuals affected with EXT1-related conditions. In summary, the available evidence is currently insufficient to determine the role of this variant in disease. Therefore, it has been classified as a Variant of Uncertain Significance.

NC_000008.10:g.(?_119122304)_(119123285_?)dup

Gene: EXT1 (exostosin glycosyltransferase 1; minus strand). Cytogenetic location: 8q24.11.
Variant type: Duplication.
Identifiers: ClinVar variation 3245405 (VCV003245405.1).